The following is an entry in ClinVar:

NM_001399.5(EDA):c.417del (p.Phe140fs)

Gene: EDA (ectodysplasin A; plus strand). Cytogenetic location: Xq13.1.
Variant type: Deletion.
Coding change: c.417del on transcript NM_001399.5 (MANE Select); coding-DNA position 417, one base deleted (C; older notation c.417delC).
Protein change: p.Phe140fs; shifts the reading frame from phenylalanine 140.
Molecular consequence: frameshift variant.
Genome position (GRCh38, 1-based): chrX:69,957,047, C deleted. VCF-style (leftmost placement, unchanged base first): chrX-69957046-TC-T. GRCh37 (hg19) VCF-style: chrX-69176896-TC-T.
Other names: c.417del, p.Phe140fs (NM_001005609.2, NM_001005612.3); short protein forms F140fs.
Identifiers: ClinVar variation 4057291 (VCV004057291.1).
Genomic context (GRCh38, chrX:69,957,046, plus strand): 5'-GTGGGGTCAACCTTTGACTAATGTACTTGTAATTTTTACAGATGGCCCTATTGAATTTCT[TC>T]TTCCCTGATGAAAAGCCATACTCTGAAGAAGAAAGTAGGCGTGTTCGCCGCAATAAAAGA-3'

ClinVar aggregate classification (germline): Likely pathogenic (1 of 4 stars; one submission).

Conditions:
Hypohidrotic X-linked ectodermal dysplasia (XHED). Also called: ECTODERMAL DYSPLASIA 1; Ectodermal Dysplasia 1, Anhidrotic; ECTODERMAL DYSPLASIA, HYPOHIDROTIC, 1; CST SYNDROME; Anhidrotic ectodermal dysplasia X-linked; Christ Siemens Touraine syndrome. Identifiers: Orphanet 181, Orphanet 238468, MedGen C0162359, MONDO:0010585, OMIM 305100.

Submission:

Diagnostics Services (NGS), CSIR - Centre For Cellular And Molecular Biology
Classification: Likely pathogenic for Hypohidrotic X-linked ectodermal dysplasia. Last evaluated: 2025-06-20. Review status: criteria provided, single submitter. Criteria: ACMG Guidelines, 2015. Collection method: clinical testing. Allele origin: germline. Affected: yes. Observed: 1 variant allele, 1 heterozygote.
Comment: The c.417del variant is not present in publicly available population databases like 1000 Genomes, EVS, gnomAD, Indian Exome Database or our internal database. This variant has neither been published in the literature for EDA-related conditions nor reported to clinical databases like Human Genome Mutation database (HGMD), OMIM, or ClinVar in any affected individuals. In-silico pathogenicity prediction programs like MutationTaster2021, CADD, Franklin, Varsome etc predicted this variant to be likely deleterious. This variant causes frameshift at the 140th amino acid position of the wild-type transcript which creates a premature translational stop signal at the altered transcript that may either result in translation of a truncated protein or cause nonsense mediated decay of the mRNA.